The following is an entry in ClinVar:

NM_001753.5(CAV1):c.448A>G (p.Ile150Val)

Gene: CAV1 (caveolin 1; plus strand). Cytogenetic location: 7q31.2.
Variant type: single nucleotide variant.
Coding change: c.448A>G on transcript NM_001753.5 (MANE Select); coding-DNA position 448, A replaced by G.
Protein change: p.Ile150Val; replaces isoleucine 150 with valine.
Molecular consequence: missense variant.
Genome position (GRCh38, 1-based): chr7:116,559,198, A>G. VCF-style: chr7-116559198-A-G. GRCh37 (hg19) VCF-style: chr7-116199252-A-G.
Other names: c.355A>G, p.Ile119Val (NM_001172895.1, NM_001172896.2, NM_001172897.2); short protein forms I150V, I119V.
Identifiers: ClinVar variation 566670 (VCV000566670.12), dbSNP rs140936491, ClinGen allele CA4447888.

ClinVar aggregate classification (germline): Conflicting classifications of pathogenicity. Review status: criteria provided, conflicting classifications (1 of 4 stars). 2 submissions from 2 submitters: Uncertain significance (1); Likely benign (1). Last evaluated 2025-11-25.

Conditions:
Inborn genetic diseases. Identifiers: MedGen C0950123, MeSH D030342.
Pulmonary hypertension, primary, 3. Identifiers: Orphanet 422, MedGen C3809192, MONDO:0014135, OMIM 615343.

Allele frequency attached by ClinVar (database versions not stated): ESP Exome Variant Server 0.00008; gnomAD exomes 0.00008 and 0.00013; ExAC 0.00012; TOPMed 0.00005; gnomAD 0.00010; 1000 Genomes Project 0.00020; 1000 Genomes Project 30x 0.00031.
gnomAD v4.1: 135 of 1,613,990 alleles (0.0084%); highest among the groups gnomAD compares: Admixed American, 0.033%; no homozygotes.

Submissions (2):

Labcorp Genetics (formerly Invitae), Labcorp
Classification: Likely benign for Pulmonary hypertension, primary, 3. Last evaluated: 2025-11-25. Review status: criteria provided, single submitter. Criteria: Invitae Variant Classification Sherloc (09022015). Collection method: clinical testing. Allele origin: germline.

Ambry Genetics
Classification: Uncertain significance for Inborn genetic diseases. Last evaluated: 2020-12-17. Review status: criteria provided, single submitter. Criteria: Ambry Variant Classification Scheme 2023. Collection method: clinical testing. Allele origin: germline.
Comment: The c.448A>G (p.I150V) alteration is located in exon 3 (coding exon 3) of the CAV1 gene. This alteration results from a A to G substitution at nucleotide position 448, causing the isoleucine (I) at amino acid position 150 to be replaced by a valine (V). The in silico prediction for the p.I150V alteration is inconclusive. Based on insufficient or conflicting evidence, the clinical significance of this alteration remains unclear.